The following is an entry in ClinVar:

NM_003072.5(SMARCA4):c.3833C>T (p.Pro1278Leu)

Gene: SMARCA4 (SWI/SNF related BAF chromatin remodeling complex subunit ATPase 4; plus strand). Cytogenetic location: 19p13.2.
Variant type: single nucleotide variant.
Coding change: c.3833C>T on transcript NM_003072.5 (MANE Select); coding-DNA position 3833, C replaced by T.
Protein change: p.Pro1278Leu; replaces proline 1278 with leucine.
Molecular consequence: missense variant. On other transcripts: intron variant (5).
Genome position (GRCh38, 1-based): chr19:11,033,825, C>T. VCF-style: chr19-11033825-C-T. GRCh37 (hg19) VCF-style: chr19-11144501-C-T.
Other names: c.3833C>T, p.Pro1278Leu (NM_001128844.3, NM_001128849.3, NM_001387283.1); c.3775-298C>T (NM_001128847.4, NM_001374457.1, NM_001128845.2 and 2 more transcripts); short protein forms P1278L.
Identifiers: ClinVar variation 1036228 (VCV001036228.8), dbSNP rs2075091471, ClinGen allele CA404066671.
Genomic context (GRCh38, chr19:11,033,825, plus strand): 5'-AGAGCAGACACTGCAGCACGGGCAGCGGCAGTGCCAGCTTCGCCCACACTGCCCCTCCGC[C>T]AGCGGGCGTCAACCCCGACTTGGAGGAGCCACCTCTAAAGGTGAGAGGGGTAGTTCAGTC-3'
Protein context (NP_003063.2, residues 1268-1288): SASFAHTAPP[Pro1278Leu]AGVNPDLEEP

ClinVar aggregate classification (germline): Uncertain significance (1 of 4 stars; one submission).

Conditions:
Rhabdoid tumor predisposition syndrome 2 (RTPS2). Identifiers: Orphanet 231108, Orphanet 69077, MedGen C2750074, MONDO:0013224, OMIM 613325.

Submission:

Labcorp Genetics (formerly Invitae), Labcorp
Classification: Uncertain significance for Rhabdoid tumor predisposition syndrome 2. Last evaluated: 2020-10-08. Review status: criteria provided, single submitter. Criteria: Invitae Variant Classification Sherloc (09022015). Collection method: clinical testing. Allele origin: germline.
Comment: This sequence change replaces proline with leucine at codon 1278 of the SMARCA4 protein (p.Pro1278Leu). The proline residue is moderately conserved and there is a moderate physicochemical difference between proline and leucine. In summary, the available evidence is currently insufficient to determine the role of this variant in disease. Therefore, it has been classified as a Variant of Uncertain Significance. Algorithms developed to predict the effect of missense changes on protein structure and function (SIFT, PolyPhen-2, Align-GVGD) all suggest that this variant is likely to be tolerated, but these predictions have not been confirmed by published functional studies and their clinical significance is uncertain. This variant has not been reported in the literature in individuals with SMARCA4-related conditions. This variant is not present in population databases (ExAC no frequency).